The following is an entry in ClinVar:

NM_000540.3(RYR1):c.3808C>A (p.Arg1270Ser)

Gene: RYR1 (ryanodine receptor 1; plus strand). Cytogenetic location: 19q13.2.
Variant type: single nucleotide variant.
Coding change: c.3808C>A on transcript NM_000540.3 (MANE Select); coding-DNA position 3808, C replaced by A.
Protein change: p.Arg1270Ser; replaces arginine 1270 with serine.
Molecular consequence: missense variant.
Genome position (GRCh38, 1-based): chr19:38,473,419, C>A. VCF-style: chr19-38473419-C-A. GRCh37 (hg19) VCF-style: chr19-38964059-C-A.
Other names: c.3808C>A, p.Arg1270Ser (NM_001042723.2); short protein forms R1270S.
Identifiers: ClinVar variation 5028650 (VCV005028650.1).

ClinVar aggregate classification (germline): Uncertain significance (1 of 4 stars; one submission).

Conditions:
Inborn genetic diseases. Identifiers: MedGen C0950123, MeSH D030342.

gnomAD v4.1: 2 of 1,613,768 alleles (0.00012%); highest among the groups gnomAD compares: Admixed American, 0.0017%; no homozygotes.

Submission:

Ambry Genetics
Classification: Uncertain significance for Inborn genetic diseases. Last evaluated: 2026-06-23. Review status: criteria provided, single submitter. Criteria: Ambry Variant Classification Scheme 2023. Collection method: clinical testing. Allele origin: germline.
Comment: The c.3808C>A (p.R1270S) alteration is located in exon 28 (coding exon 28) of the RYR1 gene. This alteration results from a C to A substitution at nucleotide position 3808, causing the arginine (R) at amino acid position 1270 to be replaced by a serine (S). Based on data from gnomAD, the A allele has an overall frequency of <0.001% (1/249150) total alleles studied. The highest observed frequency was <0.001% (/) of alleles. Based on insufficient or conflicting evidence, the clinical significance of this alteration remains unclear.